The following is an entry in ClinVar:

NM_022124.6(CDH23):c.8729T>C (p.Met2910Thr)

Gene: CDH23 (cadherin related 23; plus strand). Cytogenetic location: 10q22.1.
Variant type: single nucleotide variant.
Coding change: c.8729T>C on transcript NM_022124.6 (MANE Select); coding-DNA position 8729, T replaced by C.
Protein change: p.Met2910Thr; replaces methionine 2910 with threonine.
Molecular consequence: missense variant.
Genome position (GRCh38, 1-based): chr10:71,809,826, T>C. VCF-style: chr10-71809826-T-C. GRCh37 (hg19) VCF-style: chr10-73569583-T-C.
Other names: c.2009T>C, p.Met670Thr (NM_001171933.1, NM_001171934.1); short protein forms M2910T, M670T.
Identifiers: ClinVar variation 452849 (VCV000452849.8), dbSNP rs374171450, ClinGen allele CA5546735.

ClinVar aggregate classification (germline): Uncertain significance. Review status: criteria provided, multiple submitters, no conflicts (2 of 4 stars). 4 submissions from 4 submitters: Uncertain significance (3). 1 of the submissions does not count toward it. Last evaluated 2024-12-16.

Conditions:
Usher syndrome type 1 (USH1). Also called: RETINITIS PIGMENTOSA AND CONGENITAL DEAFNESS. Identifiers: Orphanet 231169, Orphanet 886, MedGen C1568247, MONDO:0010168, OMIM 276900.
Inborn genetic diseases. Identifiers: MedGen C0950123, MeSH D030342.

Allele frequency attached by ClinVar (database versions not stated): gnomAD exomes 0.00013 and 0.00010; TOPMed 0.00007; gnomAD 0.00009; ExAC 0.00010; ESP Exome Variant Server 0.00008.
gnomAD v4.1: 195 of 1,611,880 alleles (0.012%); highest among the groups gnomAD compares: Admixed American, 0.022%; no homozygotes.

Submissions (4):

Labcorp Genetics (formerly Invitae), Labcorp
Classification: Uncertain significance. Last evaluated: 2024-12-16. Review status: criteria provided, single submitter. Criteria: Invitae Variant Classification Sherloc (09022015). Collection method: clinical testing. Allele origin: germline.
Comment: This sequence change replaces methionine, which is neutral and non-polar, with threonine, which is neutral and polar, at codon 2910 of the CDH23 protein (p.Met2910Thr). This variant is present in population databases (rs374171450, gnomAD 0.03%). This variant has not been reported in the literature in individuals affected with CDH23-related conditions. ClinVar contains an entry for this variant (Variation ID: 452849). Invitae Evidence Modeling of protein sequence and biophysical properties (such as structural, functional, and spatial information, amino acid conservation, physicochemical variation, residue mobility, and thermodynamic stability) has been performed for this missense variant. However, the output from this modeling did not meet the statistical confidence thresholds required to predict the impact of this variant on CDH23 protein function. In summary, the available evidence is currently insufficient to determine the role of this variant in disease. Therefore, it has been classified as a Variant of Uncertain Significance.

Ambry Genetics
Classification: Uncertain significance for Inborn genetic diseases. Last evaluated: 2024-06-10. Review status: criteria provided, single submitter. Criteria: Ambry Variant Classification Scheme 2023. Collection method: clinical testing. Allele origin: germline.

GeneDx
Classification: Uncertain significance. Last evaluated: 2017-10-25. Review status: criteria provided, single submitter. Criteria: GeneDx Variant Classification (06012015). Collection method: clinical testing. Allele origin: germline. Affected: yes.
Comment: The M2910T variant in the CDH23 gene has not been reported previously as a pathogenic variant, nor as a benign variant, to our knowledge. The M2910T variant is observed in 10/34,410 (0.03%) alleles from individuals of Latino background in large population cohorts, and no individuals were reported to be homozygous (Lek et al., 2016). The M2910T variant is a non-conservative amino acid substitution, which is likely to impact secondary protein structure as these residues differ in polarity, charge, size and/or other properties. However, this substitution occurs at a position that is not conserved, and in silico analysis predicts this variant likely does not alter the protein structure/function. We interpret M2910T as a variant of uncertain significance.

Natera, Inc.
Classification: Uncertain significance for Usher syndrome type 1. Last evaluated: 2020-04-17. Review status: no assertion criteria provided. Collection method: clinical testing. Allele origin: germline. Not counted in ClinVar's aggregate classification.